The following is an entry in ClinVar:

ClinVar aggregate classification (germline): Likely benign (1 of 4 stars; one submission).

gnomAD v4.1: 10 of 152,144 alleles (0.0066%); highest among the groups gnomAD compares: Admixed American, 0.065%; no homozygotes.

Submission:

CeGaT Center for Human Genetics Tuebingen
Classification: Likely benign. Last evaluated: 2026-06-01. Review status: criteria provided, single submitter. Criteria: CeGaT Center For Human Genetics Tuebingen Variant Classification Criteria Version 2. Collection method: clinical testing. Allele origin: germline. Affected: yes. Observed: 1 variant allele.
Comment: RAF1: BP4, BP7

NM_002880.4(RAF1):c.680+312C>A

Gene: RAF1 (Raf-1 proto-oncogene, serine/threonine kinase; minus strand). Cytogenetic location: 3p25.2.
Variant type: single nucleotide variant.
Coding change: c.680+312C>A on transcript NM_002880.4 (MANE Select); 312 bases into the intron after coding-DNA position 680, C replaced by A.
Molecular consequence: intron variant.
Genome position (GRCh38, 1-based): chr3:12,605,889, G>T on the plus strand (C>A on the coding strand, the complement: RAF1 is on the minus strand). VCF-style: chr3-12605889-G-T. GRCh37 (hg19) VCF-style: chr3-12647388-G-T.
Other names: c.339-1600C>A (NM_001354695.3); c.437+312C>A (NM_001354692.3, NM_001354694.3, NM_001354691.3); c.582-1600C>A (NM_001354693.3); c.680+312C>A (NM_001354689.3, NM_001354690.3).
Identifiers: ClinVar variation 4874341 (VCV004874341.2).